The following is an entry in ClinVar:

NM_000379.4(XDH):c.3488T>C (p.Val1163Ala)

Gene: XDH (xanthine dehydrogenase; minus strand). Cytogenetic location: 2p23.1.
Variant type: single nucleotide variant.
Coding change: c.3488T>C on transcript NM_000379.4 (MANE Select); coding-DNA position 3488, T replaced by C.
Protein change: p.Val1163Ala; replaces valine 1163 with alanine.
Molecular consequence: missense variant.
Genome position (GRCh38, 1-based): chr2:31,342,214, A>G on the plus strand (T>C on the coding strand, the complement: XDH is on the minus strand). VCF-style: chr2-31342214-A-G. GRCh37 (hg19) VCF-style: chr2-31565080-A-G.
Other names: short protein forms V1163A.
Identifiers: ClinVar variation 576949 (VCV000576949.14), dbSNP rs142988357, ClinGen allele CA1598372.

ClinVar aggregate classification (germline): Uncertain significance. Review status: criteria provided, multiple submitters, no conflicts (2 of 4 stars). 3 submissions from 3 submitters: Uncertain significance (3). Last evaluated 2024-01-20.

Conditions:
Xanthinuria type II. Also called: Xanthine dehydrogenase and aldehyde oxidase combined deficiency of; XDH and AOX dual deficiency. Identifiers: Orphanet 3467, Orphanet 93602, MedGen C1863688, MONDO:0011346, OMIM 603592.
Hereditary xanthinuria type 1 (XAN1). Identifiers: Orphanet 3467, Orphanet 93601, MedGen C0268118, MONDO:0010209, OMIM 278300.

Allele frequency attached by ClinVar (database versions not stated): TOPMed below 0.00001; ExAC 0.00001; gnomAD exomes 0.00001; ESP Exome Variant Server 0.00008.
gnomAD v4.1: 19 of 1,614,126 alleles (0.0012%); highest among the groups gnomAD compares: Non-Finnish European, 0.0016%; no homozygotes.

Submissions (3):

Fulgent Genetics
Classification: Uncertain significance for Hereditary xanthinuria type 1. Last evaluated: 2024-01-20. Review status: criteria provided, single submitter. Criteria: ACMG Guidelines, 2015. Collection method: clinical testing. Allele origin: germline.

Labcorp Genetics (formerly Invitae), Labcorp
Classification: Uncertain significance for Xanthinuria type II. Last evaluated: 2022-07-15. Review status: criteria provided, single submitter. Criteria: Invitae Variant Classification Sherloc (09022015). Collection method: clinical testing. Allele origin: germline.
Comment: In summary, the available evidence is currently insufficient to determine the role of this variant in disease. Therefore, it has been classified as a Variant of Uncertain Significance. Algorithms developed to predict the effect of sequence changes on RNA splicing suggest that this variant may create or strengthen a splice site. Algorithms developed to predict the effect of missense changes on protein structure and function (SIFT, PolyPhen-2, Align-GVGD) all suggest that this variant is likely to be disruptive. ClinVar contains an entry for this variant (Variation ID: 576949). This variant has not been reported in the literature in individuals affected with XDH-related conditions. This variant is present in population databases (rs142988357, gnomAD 0.003%). This sequence change replaces valine, which is neutral and non-polar, with alanine, which is neutral and non-polar, at codon 1163 of the XDH protein (p.Val1163Ala).

Illumina Laboratory Services, Illumina
Classification: Uncertain significance for Hereditary xanthinuria type 1. Last evaluated: 2018-01-13. Review status: criteria provided, single submitter. Criteria: ICSL Variant Classification Criteria 13 December 2019. Collection method: clinical testing. Allele origin: germline.